The following is an entry in ClinVar:

ClinVar aggregate classification (germline): Likely benign. Review status: criteria provided, single submitter (1 of 4 stars). 2 submissions from 2 submitters: Likely benign (1). 1 of the submissions does not count toward it. Last evaluated 2024-10-23.

Conditions:
UBR1-related disorder. Also called: UBR1-related condition.

Allele frequency attached by ClinVar (database versions not stated): gnomAD 0.00002; gnomAD exomes 0.00002; TOPMed 0.00002; ExAC 0.00003; ESP Exome Variant Server 0.00015.
gnomAD v4.1: 34 of 1,612,142 alleles (0.0021%); highest among the groups gnomAD compares: Non-Finnish European, 0.0026%; no homozygotes.

Submissions (2):

Labcorp Genetics (formerly Invitae), Labcorp
Classification: Likely benign. Last evaluated: 2024-10-23. Review status: criteria provided, single submitter. Criteria: Invitae Variant Classification Sherloc (09022015). Collection method: clinical testing. Allele origin: germline.

PreventionGenetics, part of Exact Sciences
Classification: Likely benign for UBR1-related condition. Last evaluated: 2019-06-06. Review status: no assertion criteria provided. Collection method: clinical testing. Allele origin: germline. Not counted in ClinVar's aggregate classification.
Comment: This variant is classified as likely benign based on ACMG/AMP sequence variant interpretation guidelines (Richards et al. 2015 PMID: 25741868, with internal and published modifications).

NM_174916.3(UBR1):c.1218T>C (p.Asp406=)

Gene: UBR1 (ubiquitin protein ligase E3 component n-recognin 1; minus strand). Cytogenetic location: 15q15.2.
Variant type: single nucleotide variant.
Coding change: c.1218T>C on transcript NM_174916.3 (MANE Select); coding-DNA position 1218, T replaced by C.
Protein change: p.Asp406=; no amino-acid change (aspartic acid 406 retained).
Molecular consequence: synonymous variant.
Genome position (GRCh38, 1-based): chr15:43,056,407, A>G on the plus strand (T>C on the coding strand, the complement: UBR1 is on the minus strand). VCF-style: chr15-43056407-A-G. GRCh37 (hg19) VCF-style: chr15-43348605-A-G.
Other names: c.1218T>C (NM_174916.2).
Identifiers: ClinVar variation 1461526 (VCV001461526.10), dbSNP rs137864901, ClinGen allele CA7518782.